The following is an entry in ClinVar:

ClinVar aggregate classification (germline): Uncertain significance. Review status: criteria provided, multiple submitters, no conflicts (2 of 4 stars). 2 submissions from 2 submitters: Uncertain significance (2). Last evaluated 2025-07-20.

Conditions:
Cardiovascular phenotype. Identifiers: MedGen CN230736.
RASopathy. Also called: rasopathies; Noonan spectrum disorder. Identifiers: Orphanet 536391, MedGen C5555857, MONDO:0021060.

Allele frequency attached by ClinVar (database versions not stated): gnomAD exomes below 0.00001; gnomAD 0.00001.
gnomAD v4.1: 3 of 1,614,060 alleles (0.00019%); highest among the groups gnomAD compares: South Asian, 0.0022%; no homozygotes.

Submissions (2):

Labcorp Genetics (formerly Invitae), Labcorp
Classification: Uncertain significance for RASopathy. Last evaluated: 2025-07-20. Review status: criteria provided, single submitter. Criteria: Invitae Variant Classification Sherloc (09022015). Collection method: clinical testing. Allele origin: germline.
Comment: This sequence change replaces isoleucine, which is neutral and non-polar, with valine, which is neutral and non-polar, at codon 793 of the CBL protein (p.Ile793Val). This variant is present in population databases (no rsID available, gnomAD 0.003%). This variant has not been reported in the literature in individuals affected with CBL-related conditions. ClinVar contains an entry for this variant (Variation ID: 2163922). Invitae Evidence Modeling of protein sequence and biophysical properties (such as structural, functional, and spatial information, amino acid conservation, physicochemical variation, residue mobility, and thermodynamic stability) indicates that this missense variant is not expected to disrupt CBL protein function with a negative predictive value of 95%. In summary, the available evidence is currently insufficient to determine the role of this variant in disease. Therefore, it has been classified as a Variant of Uncertain Significance.

Ambry Genetics
Classification: Uncertain significance for Cardiovascular phenotype. Last evaluated: 2025-03-25. Review status: criteria provided, single submitter. Criteria: Ambry Variant Classification Scheme 2023. Collection method: clinical testing. Allele origin: germline.
Comment: The p.I793V variant (also known as c.2377A>G), located in coding exon 15 of the CBL gene, results from an A to G substitution at nucleotide position 2377. The isoleucine at codon 793 is replaced by valine, an amino acid with highly similar properties. This amino acid position is conserved. In addition, this alteration is predicted to be tolerated by in silico analysis. Based on the available evidence, the clinical significance of this variant remains unclear.

NM_005188.4(CBL):c.2377A>G (p.Ile793Val)

Gene: CBL (Cbl proto-oncogene; plus strand). Cytogenetic location: 11q23.3.
Variant type: single nucleotide variant.
Coding change: c.2377A>G on transcript NM_005188.4 (MANE Select); coding-DNA position 2377, A replaced by G.
Protein change: p.Ile793Val; replaces isoleucine 793 with valine.
Molecular consequence: missense variant.
Genome position (GRCh38, 1-based): chr11:119,298,483, A>G. VCF-style: chr11-119298483-A-G. GRCh37 (hg19) VCF-style: chr11-119169193-A-G.
Other names: c.2377A>G (NM_005188.2); short protein forms I793V.
Identifiers: ClinVar variation 2163922 (VCV002163922.5), dbSNP rs1235991942, ClinGen allele CA382929808.